The following is an entry in ClinVar:

NM_000789.4(ACE):c.2256C>T (p.Ser752=)

Gene: ACE (angiotensin I converting enzyme; plus strand). Cytogenetic location: 17q23.3.
Variant type: single nucleotide variant.
Coding change: c.2256C>T on transcript NM_000789.4 (MANE Select); coding-DNA position 2256, C replaced by T.
Protein change: p.Ser752=; no amino-acid change (serine 752 retained).
Molecular consequence: synonymous variant.
Genome position (GRCh38, 1-based): chr17:63,487,024, C>T. VCF-style: chr17-63487024-C-T. GRCh37 (hg19) VCF-style: chr17-61564385-C-T.
Other names: c.534C>T, p.Ser178= (NM_001178057.2, NM_152830.3).
Identifiers: ClinVar variation 892311 (VCV000892311.28), dbSNP rs780873477, ClinGen allele CA8699986.

ClinVar aggregate classification (germline): Conflicting classifications of pathogenicity. Review status: criteria provided, conflicting classifications (1 of 4 stars). 2 submissions from 2 submitters: Uncertain significance (1); Likely benign (1). Last evaluated 2022-06-01.

Conditions:
Renal tubular dysgenesis. Also called: Renotubular dysgenesis. Identifiers: Orphanet 3033, MedGen C0266313, MONDO:0017609, HP:0008660.

Allele frequency attached by ClinVar (database versions not stated): gnomAD below 0.00001 and 0.00001; gnomAD exomes 0.00001 and 0.00004; ExAC 0.00005.
gnomAD v4.1: 24 of 1,613,742 alleles (0.0015%); highest among the groups gnomAD compares: South Asian, 0.0022%; no homozygotes.

Submissions (2):

CeGaT Center for Human Genetics Tuebingen
Classification: Likely benign. Last evaluated: 2022-06-01. Review status: criteria provided, single submitter. Criteria: CeGaT Center For Human Genetics Tuebingen Variant Classification Criteria Version 2. Collection method: clinical testing. Allele origin: germline. Affected: yes. Observed: 1 variant allele.
Comment: ACE: BP4, BP7

Illumina Laboratory Services, Illumina
Classification: Uncertain significance for Renal tubular dysgenesis of genetic origin. Last evaluated: 2018-01-13. Review status: criteria provided, single submitter. Criteria: ICSL Variant Classification Criteria 13 December 2019. Collection method: clinical testing. Allele origin: germline.